The following is an entry in ClinVar:

NM_019594.4(LRRC8A):c.2284C>G (p.Arg762Gly)

Gene: LRRC8A (leucine rich repeat containing 8 VRAC subunit A; plus strand). Cytogenetic location: 9q34.11.
Variant type: single nucleotide variant.
Coding change: c.2284C>G on transcript NM_019594.4 (MANE Select); coding-DNA position 2284, C replaced by G.
Protein change: p.Arg762Gly; replaces arginine 762 with glycine.
Molecular consequence: missense variant.
Genome position (GRCh38, 1-based): chr9:128,916,222, C>G. VCF-style: chr9-128916222-C-G. GRCh37 (hg19) VCF-style: chr9-131678501-C-G.
Other names: c.2284C>G, p.Arg762Gly (NM_001127244.2, NM_001127245.2); short protein forms R762G.
Identifiers: ClinVar variation 2086478 (VCV002086478.4), dbSNP rs986158748, ClinGen allele CA375092480.
Genomic context (GRCh38, chr9:128,916,222, plus strand): 5'-GTGCTGCAGTCACTGCCCTCCAGGGTGGGCGAGCTGACCAACCTGACGCAGATCGAGCTG[C>G]GGGGCAACCGGCTGGAGTGCCTGCCTGTGGAGCTGGGCGAGTGCCCACTGCTCAAGCGCA-3'
Protein context (NP_062540.2, residues 752-772): ELTNLTQIEL[Arg762Gly]GNRLECLPVE

ClinVar aggregate classification (germline): Uncertain significance (1 of 4 stars; one submission).

Submission:

Labcorp Genetics (formerly Invitae), Labcorp
Classification: Uncertain significance. Last evaluated: 2022-01-16. Review status: criteria provided, single submitter. Criteria: Invitae Variant Classification Sherloc (09022015). Collection method: clinical testing. Allele origin: germline.
Comment: This sequence change replaces arginine, which is basic and polar, with glycine, which is neutral and non-polar, at codon 762 of the LRRC8A protein (p.Arg762Gly). This variant is not present in population databases (gnomAD no frequency). In summary, the available evidence is currently insufficient to determine the role of this variant in disease. Therefore, it has been classified as a Variant of Uncertain Significance. Algorithms developed to predict the effect of missense changes on protein structure and function (SIFT, PolyPhen-2, Align-GVGD) all suggest that this variant is likely to be disruptive. This variant has not been reported in the literature in individuals affected with LRRC8A-related conditions.